The following is an entry in ClinVar:

ClinVar aggregate classification (germline): Uncertain significance (1 of 4 stars; one submission).

Conditions:
Bardet-Biedl syndrome (BBS). Identifiers: Orphanet 110, MedGen C0752166, MONDO:0015229.

Allele frequency attached by ClinVar (database versions not stated): gnomAD exomes below 0.00001.
gnomAD v4.1: 6 of 1,614,060 alleles (0.00037%); highest among the groups gnomAD compares: Non-Finnish European, 0.00034%; no homozygotes.

Submission:

Labcorp Genetics (formerly Invitae), Labcorp
Classification: Uncertain significance for Bardet-Biedl syndrome. Last evaluated: 2022-02-23. Review status: criteria provided, single submitter. Criteria: Invitae Variant Classification Sherloc (09022015). Collection method: clinical testing. Allele origin: germline.
Comment: In summary, the available evidence is currently insufficient to determine the role of this variant in disease. Therefore, it has been classified as a Variant of Uncertain Significance. Algorithms developed to predict the effect of missense changes on protein structure and function are either unavailable or do not agree on the potential impact of this missense change (SIFT: "Deleterious"; PolyPhen-2: "Probably Damaging"; Align-GVGD: "Class C0"). ClinVar contains an entry for this variant (Variation ID: 1013681). This variant has not been reported in the literature in individuals affected with TTC8-related conditions. This variant is not present in population databases (gnomAD no frequency). This sequence change replaces tyrosine, which is neutral and polar, with aspartic acid, which is acidic and polar, at codon 305 of the TTC8 protein (p.Tyr305Asp).

NM_144596.4(TTC8):c.943T>G (p.Tyr315Asp)

Gene: TTC8 (tetratricopeptide repeat domain 8; plus strand). Cytogenetic location: 14q31.3.
Variant type: single nucleotide variant.
Coding change: c.943T>G on transcript NM_144596.4 (MANE Select); coding-DNA position 943, T replaced by G.
Protein change: p.Tyr315Asp; replaces tyrosine 315 with aspartic acid.
Molecular consequence: missense variant. On other transcripts: non-coding transcript variant (1).
Genome position (GRCh38, 1-based): chr14:88,870,092, T>G. VCF-style: chr14-88870092-T-G. GRCh37 (hg19) VCF-style: chr14-89336436-T-G.
Other names: c.991T>G, p.Tyr331Asp (NM_001288781.1); c.349T>G, p.Tyr117Asp (NM_001288782.1); c.226T>G, p.Tyr76Asp (NM_001288783.1); c.913T>G, p.Tyr305Asp (NM_001366535.2, NM_198309.3); c.823T>G, p.Tyr275Asp (NM_001366536.2, NM_198310.3); short protein forms Y117D, Y275D, Y305D, Y315D, Y331D, Y76D.
Identifiers: ClinVar variation 1013681 (VCV001013681.10), dbSNP rs2094927520, ClinGen allele CA390549370.
Genomic context (GRCh38, chr14:88,870,092, plus strand): 5'-TTGCTCTTCTCTCTTGATGGAGAATAGGAAATGAACAATATGTCATCAGCAGCAGAATAT[T>G]ACAAAGAAGTTTTGAAACAAGACAATACTCATGTGGAAGCCATCGCATGCATTGGAAGCA-3'
Protein context (NP_653197.2, residues 305-325): MNNMSSAAEY[Tyr315Asp]KEVLKQDNTH